The following is an entry in ClinVar:

NM_001943.5(DSG2):c.1945G>A (p.Gly649Ser)

Gene: DSG2 (desmoglein 2; plus strand). Cytogenetic location: 18q12.1.
Variant type: single nucleotide variant.
Coding change: c.1945G>A on transcript NM_001943.5 (MANE Select); coding-DNA position 1945, G replaced by A.
Protein change: p.Gly649Ser; replaces glycine 649 with serine.
Molecular consequence: missense variant.
Genome position (GRCh38, 1-based): chr18:31,541,258, G>A. VCF-style: chr18-31541258-G-A. GRCh37 (hg19) VCF-style: chr18-29121221-G-A.
Other names: c.1945G>A (LRG_397t1); short protein forms G649S.
Identifiers: ClinVar variation 180321 (VCV000180321.7), dbSNP rs730880078, ClinGen allele CA021637.

ClinVar aggregate classification (germline): Uncertain significance. Review status: criteria provided, multiple submitters, no conflicts (2 of 4 stars). 2 submissions from 2 submitters: Uncertain significance (2). Last evaluated 2024-06-11.

Conditions:
Cardiomyopathy (CMYO). Also called: Cardiomyopathies. Identifiers: Orphanet 167848, MedGen C0878544, MONDO:0004994, HP:0001638. Inheritance: Various modes of inheritance.
Arrhythmogenic right ventricular cardiomyopathy (ARVD). Also called: Arrhythmogenic cardiomyopathy; Arrhythmogenic Right Ventricular Cardiomyopathy (ARVC); Cardiomyopathy, ARVC; Arrhythmogenic right ventricular dysplasia. Identifiers: Orphanet 247, MedGen C0349788, MeSH D019571, MONDO:0016587. Disease mechanism: loss of function. Inheritance: Various modes of inheritance.

Submissions (2):

All of Us Research Program, National Institutes of Health
Classification: Uncertain significance for Arrhythmogenic right ventricular cardiomyopathy. Last evaluated: 2024-06-11. Review status: criteria provided, single submitter. Criteria: ACMG Guidelines, 2015. Collection method: clinical testing. Allele origin: germline. Inheritance: Autosomal dominant inheritance. Observed: 1 variant allele, 1 heterozygote.
Comment: Variant of Uncertain Significance due to insufficient evidence: This missense variant is located in the cytoplasmic domain of the DSG2 protein. Computational prediction tools and conservation analyses are inconclusive regarding the impact of this variant on the protein function. Computational splicing tools suggest that this variant may not impact RNA splicing. To our knowledge, functional assays have not been performed for this variant nor has this variant been reported in individuals affected with cardiovascular disorders in the literature. This variant is rare in the general population and has been identified in 0/277264 chromosomes by the Genome Aggregation Database (gnomAD). Available evidence is insufficient to determine the pathogenicity of this variant conclusively.

This study involves interpretation of variants in research participants for the purpose of population health screening. Participant phenotype was not available at the time of variant classification. Additional details can be found in publication PMID: 35346344, PMCID: PMC8962531

Color Diagnostics, LLC DBA Color Health
Classification: Uncertain significance for Cardiomyopathy. Last evaluated: 2023-12-04. Review status: criteria provided, single submitter. Criteria: ACMG Guidelines, 2015. Collection method: clinical testing. Allele origin: germline.
Comment: Variant of Uncertain Significance due to insufficient evidence: This missense variant is located in the cytoplasmic domain of the DSG2 protein. Computational prediction tools and conservation analyses are inconclusive regarding the impact of this variant on the protein function. Computational splicing tools suggest that this variant may not impact RNA splicing. To our knowledge, functional assays have not been performed for this variant nor has this variant been reported in individuals affected with cardiovascular disorders in the literature. This variant is rare in the general population and has been identified in 0/277264 chromosomes by the Genome Aggregation Database (gnomAD). Available evidence is insufficient to determine the pathogenicity of this variant conclusively.